The following is an entry in ClinVar:

NM_000275.3(OCA2):c.669_675dup (p.Thr226fs)

Gene: OCA2 (OCA2 melanosomal transmembrane protein; minus strand). Cytogenetic location: 15q13.1.
Variant type: Duplication.
Coding change: c.669_675dup on transcript NM_000275.3 (MANE Select); coding-DNA positions 669 to 675, 7 bases duplicated (GGACTCC; older notation c.669_675dupGGACTCC).
Protein change: p.Thr226fs; shifts the reading frame from threonine 226.
Molecular consequence: frameshift variant.
Genome position (GRCh38, 1-based): chr15:28,018,529-28,018,535, GGAGTCC duplicated on the plus strand (GGACTCC on the coding strand, the reverse complement: OCA2 is on the minus strand). VCF-style (leftmost placement, unchanged base first): chr15-28018528-T-TGGAGTCC. GRCh37 (hg19) VCF-style: chr15-28263674-T-TGGAGTCC.
Other names: c.669_675dup, p.Thr226fs (NM_001300984.2); short protein forms T226fs.
Identifiers: ClinVar variation 3005427 (VCV003005427.4), dbSNP rs1470522588, ClinGen allele CA616714459.

ClinVar aggregate classification (germline): Pathogenic. Review status: criteria provided, multiple submitters, no conflicts (2 of 4 stars). 2 submissions from 2 submitters: Pathogenic (2). Last evaluated 2026-08-08.

Conditions:
Tyrosinase-positive oculocutaneous albinism (OCA2). Also called: ALBINISM II; Oculocutaneous albinism type 2; Albinism, oculocutaneous, type II. Identifiers: Orphanet 79432, MedGen C0268495, MONDO:0008746, OMIM 203200.

Allele frequency attached by ClinVar (database versions not stated): TOPMed 0.00001; gnomAD exomes below 0.00001; gnomAD 0.00002.

Submissions (2):

Myriad Genetics, Inc.
Classification: Pathogenic for Tyrosinase-positive oculocutaneous albinism. Last evaluated: 2026-08-08. Review status: criteria provided, single submitter. Criteria: Myriad Autosomal Dominant, Autosomal Recessive and X-Linked Classification Criteria (2023). Collection method: clinical testing. Allele origin: unknown.
Comment: NM_000275.2(OCA2):c.669_675dup7(T226Gfs*35) is expected to be pathogenic in the context of oculocutaneous albinism, OCA2-related. This variant is predicted to lead to an abnormal or absent protein product due to the creation of a premature termination codon in OCA2, a gene where loss-of-function variants are known to be pathogenic. Please note: this variant was assessed in the context of healthy population screening.

Labcorp Genetics (formerly Invitae), Labcorp
Classification: Pathogenic. Last evaluated: 2023-11-17. Review status: criteria provided, single submitter. Criteria: Invitae Variant Classification Sherloc (09022015). Collection method: clinical testing. Allele origin: germline.
Comment: This sequence change creates a premature translational stop signal (p.Thr226Glyfs*35) in the OCA2 gene. It is expected to result in an absent or disrupted protein product. Loss-of-function variants in OCA2 are known to be pathogenic (PMID: 19865097, 21541274). This variant is present in population databases (no rsID available, gnomAD 0.007%). This variant has not been reported in the literature in individuals affected with OCA2-related conditions. For these reasons, this variant has been classified as Pathogenic.

Literature cited by the submitters: PubMed 19865097 (cited by Labcorp Genetics (formerly Invitae), Labcorp); PubMed 21541274 (cited by Labcorp Genetics (formerly Invitae), Labcorp).